The following is an entry in ClinVar:

ClinVar aggregate classification (germline): Uncertain significance (1 of 4 stars; one submission).

gnomAD v4.1: 1 of 1,614,204 alleles (0.000062%); highest among the groups gnomAD compares: Non-Finnish European, 0.000085%; no homozygotes.

Submission:

Labcorp Genetics (formerly Invitae), Labcorp
Classification: Uncertain significance. Last evaluated: 2022-04-06. Review status: criteria provided, single submitter. Criteria: Invitae Variant Classification Sherloc (09022015). Collection method: clinical testing. Allele origin: germline.
Comment: This sequence change replaces arginine, which is basic and polar, with cysteine, which is neutral and slightly polar, at codon 2421 of the SZT2 protein (p.Arg2421Cys). This variant is not present in population databases (gnomAD no frequency). This variant has not been reported in the literature in individuals affected with SZT2-related conditions. ClinVar contains an entry for this variant (Variation ID: 1052164). Algorithms developed to predict the effect of missense changes on protein structure and function (SIFT, PolyPhen-2, Align-GVGD) all suggest that this variant is likely to be disruptive. In summary, the available evidence is currently insufficient to determine the role of this variant in disease. Therefore, it has been classified as a Variant of Uncertain Significance.

NM_001365999.1(SZT2):c.7432C>T (p.Arg2478Cys)

Gene: SZT2 (SZT2 subunit of KICSTOR complex; plus strand). Cytogenetic location: 1p34.2.
Variant type: single nucleotide variant.
Coding change: c.7432C>T on transcript NM_001365999.1 (MANE Select); coding-DNA position 7432, C replaced by T.
Protein change: p.Arg2478Cys; replaces arginine 2478 with cysteine.
Molecular consequence: missense variant.
Genome position (GRCh38, 1-based): chr1:43,441,301, C>T. VCF-style: chr1-43441301-C-T. GRCh37 (hg19) VCF-style: chr1-43906972-C-T.
Other names: c.7261C>T, p.Arg2421Cys (NM_015284.4); short protein forms R2421C, R2478C.
Identifiers: ClinVar variation 1052164 (VCV001052164.9), dbSNP rs2153935682, ClinGen allele CA340034795.